The following is an entry in ClinVar:

NM_031488.5(L3MBTL2):c.101G>C (p.Arg34Pro)

Genes: L3MBTL2 (L3MBTL histone methyl-lysine binding protein 2; plus strand), L3MBTL2-AS1 (L3MBTL2 antisense RNA 1; minus strand). Cytogenetic location: 22q13.2.
Variant type: single nucleotide variant.
Coding change: c.101G>C on transcript NM_031488.5 (MANE Select); coding-DNA position 101, G replaced by C.
Protein change: p.Arg34Pro; replaces arginine 34 with proline.
Molecular consequence: missense variant. On other transcripts: non-coding transcript variant (1).
Genome position (GRCh38, 1-based): chr22:41,209,772, G>C. VCF-style: chr22-41209772-G-C. GRCh37 (hg19) VCF-style: chr22-41605776-G-C.
Other names: short protein forms R34P.
Identifiers: ClinVar variation 771544 (VCV000771544.6), dbSNP rs143455680, ClinGen allele CA10254157.

ClinVar aggregate classification (germline): Benign. Review status: criteria provided, multiple submitters, no conflicts (2 of 4 stars). 3 submissions from 3 submitters: Benign (3). Last evaluated 2020-10-29.

Allele frequency attached by ClinVar (database versions not stated): ESP Exome Variant Server 0.00123; TOPMed 0.00781; ExAC 0.00934; gnomAD exomes 0.01331; 1000 Genomes Project 30x 0.01593; 1000 Genomes Project 0.01597.
gnomAD v4.1: 6,579 of 1,614,122 alleles (0.41%); highest among the groups gnomAD compares: Admixed American, 8.8%; 262 homozygotes.

Submissions (3):

GeneDx
Classification: Benign. Last evaluated: 2020-10-29. Review status: criteria provided, single submitter. Criteria: GeneDx Variant Classification Process June 2021. Collection method: clinical testing. Allele origin: germline. Affected: yes.
Comment: This variant is associated with the following publications: (PMID: 30924900)

Labcorp Genetics (formerly Invitae), Labcorp
Classification: Benign. Last evaluated: 2018-06-29. Review status: criteria provided, single submitter. Criteria: Invitae Variant Classification Sherloc (09022015). Collection method: clinical testing. Allele origin: germline.

Breakthrough Genomics
Classification: Benign. Review status: criteria provided, single submitter. Criteria: ACMG Guidelines, 2015. Collection method: not provided. Allele origin: germline. Inheritance: Unknown mechanism. Affected: yes.